The following is an entry in ClinVar:

NM_198965.2(PTHLH):c.391G>A (p.Gly131Arg)

Gene: PTHLH (parathyroid hormone like hormone; minus strand). Cytogenetic location: 12p11.22.
Variant type: single nucleotide variant.
Coding change: c.391G>A on transcript NM_198965.2 (MANE Select); coding-DNA position 391, G replaced by A.
Protein change: p.Gly131Arg; replaces glycine 131 with arginine.
Molecular consequence: missense variant.
Genome position (GRCh38, 1-based): chr12:27,963,481, C>T on the plus strand (G>A on the coding strand, the complement: PTHLH is on the minus strand). VCF-style: chr12-27963481-C-T. GRCh37 (hg19) VCF-style: chr12-28116414-C-T.
Other names: c.391G>A, p.Gly131Arg (NM_002820.3, NM_198964.2, NM_198966.2); short protein forms G131R.
Identifiers: ClinVar variation 4723617 (VCV004723617.1).
Genomic context (GRCh38, chr12:27,963,481, plus strand): 5'-CAGAGTCTAACCAGGCAGAGCGAGTTCGCCGTTTTTTCTTTTCCTGCTCCTTGCGTTTCC[C>T]GGGCTTGCCTTTCTTTTTCTTCCCAGGTGTCTTGAGCGGCTGCTCTTTGTACGTCTCCAC-3'
Protein context (NP_945316.1, residues 121-141): TPGKKKKGKP[Gly131Arg]KRKEQEKKKR

ClinVar aggregate classification (germline): Uncertain significance (1 of 4 stars; one submission).

gnomAD v4.1: 2 of 1,614,156 alleles (0.00012%); highest among the groups gnomAD compares: Non-Finnish European, 0.00017%; no homozygotes.

Submission:

Labcorp Genetics (formerly Invitae), Labcorp
Classification: Uncertain significance. Last evaluated: 2025-07-21. Review status: criteria provided, single submitter. Criteria: Invitae Variant Classification Sherloc (09022015). Collection method: clinical testing. Allele origin: germline.
Comment: This sequence change replaces glycine, which is neutral and non-polar, with arginine, which is basic and polar, at codon 131 of the PTHLH protein (p.Gly131Arg). This variant is not present in population databases (gnomAD no frequency). This variant has not been reported in the literature in individuals affected with PTHLH-related conditions. An algorithm developed to predict the effect of missense changes on protein structure and function (PolyPhen-2) suggests that this variant is likely to be disruptive. In summary, the available evidence is currently insufficient to determine the role of this variant in disease. Therefore, it has been classified as a Variant of Uncertain Significance.